The following is an entry in ClinVar:

ClinVar aggregate classification (germline): Uncertain significance. Review status: criteria provided, multiple submitters, no conflicts (2 of 4 stars). 2 submissions from 2 submitters: Uncertain significance (2). Last evaluated 2025-04-17.

Allele frequency attached by ClinVar (database versions not stated): gnomAD 0.00005; gnomAD exomes 0.00005; TOPMed 0.00005; ExAC 0.00006.
gnomAD v4.1: 78 of 1,613,496 alleles (0.0048%); highest among the groups gnomAD compares: Non-Finnish European, 0.0061%; no homozygotes.

Submissions (2):

Labcorp Genetics (formerly Invitae), Labcorp
Classification: Uncertain significance. Last evaluated: 2025-04-17. Review status: criteria provided, single submitter. Criteria: Invitae Variant Classification Sherloc (09022015). Collection method: clinical testing. Allele origin: germline.
Comment: This sequence change replaces glycine, which is neutral and non-polar, with serine, which is neutral and polar, at codon 1330 of the NIN protein (p.Gly1330Ser). This variant is present in population databases (rs777237077, gnomAD 0.008%). This variant has not been reported in the literature in individuals affected with NIN-related conditions. ClinVar contains an entry for this variant (Variation ID: 2085074). An algorithm developed to predict the effect of missense changes on protein structure and function (PolyPhen-2) suggests that this variant is likely to be tolerated. In summary, the available evidence is currently insufficient to determine the role of this variant in disease. Therefore, it has been classified as a Variant of Uncertain Significance.

Ambry Genetics
Classification: Uncertain significance. Last evaluated: 2025-03-27. Review status: criteria provided, single submitter. Criteria: Ambry Variant Classification Scheme 2023. Collection method: clinical testing. Allele origin: germline.

NM_020921.4(NIN):c.3988G>A (p.Gly1330Ser)

Gene: NIN (ninein; minus strand). Cytogenetic location: 14q22.1.
Variant type: single nucleotide variant.
Coding change: c.3988G>A on transcript NM_020921.4 (MANE Select); coding-DNA position 3988, G replaced by A.
Protein change: p.Gly1330Ser; replaces glycine 1330 with serine.
Molecular consequence: missense variant. On other transcripts: intron variant (1).
Genome position (GRCh38, 1-based): chr14:50,757,042, C>T on the plus strand (G>A on the coding strand, the complement: NIN is on the minus strand). VCF-style: chr14-50757042-C-T. GRCh37 (hg19) VCF-style: chr14-51223760-C-T.
Other names: c.3988G>A, p.Gly1330Ser (NM_182944.3, NM_182946.2); c.2400-2175G>A (NM_016350.5); short protein forms G1330S.
Identifiers: ClinVar variation 2085074 (VCV002085074.6), dbSNP rs777237077, ClinGen allele CA7181644.